The following is an entry in ClinVar:

NM_001042681.2(RERE):c.1372G>A (p.Val458Met)

Gene: RERE (arginine-glutamic acid dipeptide repeats; minus strand). Cytogenetic location: 1p36.23.
Variant type: single nucleotide variant.
Coding change: c.1372G>A on transcript NM_001042681.2 (MANE Select); coding-DNA position 1372, G replaced by A.
Protein change: p.Val458Met; replaces valine 458 with methionine.
Molecular consequence: missense variant. On other transcripts: 5 prime UTR variant (1).
Genome position (GRCh38, 1-based): chr1:8,365,887, C>T on the plus strand (G>A on the coding strand, the complement: RERE is on the minus strand). VCF-style: chr1-8365887-C-T. GRCh37 (hg19) VCF-style: chr1-8425947-C-T.
Other names: c.-291G>A (NM_001042682.2); c.1372G>A, p.Val458Met (NM_012102.4); c.1372G>A (NM_012102.3); short protein forms V458M.
Identifiers: ClinVar variation 1013226 (VCV001013226.46), dbSNP rs1306272176, ClinGen allele CA338174934.

ClinVar aggregate classification (germline): Conflicting classifications of pathogenicity. Review status: criteria provided, conflicting classifications (1 of 4 stars). 4 submissions from 4 submitters: Uncertain significance (3); Likely benign (1). Last evaluated 2024-10-16.

Conditions:
Inborn genetic diseases. Identifiers: MedGen C0950123, MeSH D030342.

Allele frequency attached by ClinVar (database versions not stated): gnomAD exomes below 0.00001; gnomAD 0.00001 and 0.00002; TOPMed 0.00001.
gnomAD v4.1: 9 of 1,614,228 alleles (0.00056%); highest among the groups gnomAD compares: South Asian, 0.0022%; no homozygotes.

Submissions (4):

Women's Health and Genetics/Laboratory Corporation of America, LabCorp
Classification: Uncertain significance. Last evaluated: 2024-10-16. Review status: criteria provided, single submitter. Criteria: LabCorp Variant Classification Summary - May 2015. Collection method: clinical testing. Allele origin: germline.
Comment: Variant summary: RERE c.1372G>A (p.Val458Met) results in a conservative amino acid change in the encoded protein sequence. Three of five in-silico tools predict a damaging effect of the variant on protein function. The variant allele was found at a frequency of 4e-06 in 251428 control chromosomes. The available data on variant occurrences in the general population are insufficient to allow any conclusion about variant significance. To our knowledge, no occurrence of c.1372G>A in individuals affected with Neurodevelopmental Disorder With Or Without Anomalies Of The Brain, Eye, Or Heart and no experimental evidence demonstrating its impact on protein function have been reported. ClinVar contains an entry for this variant (Variation ID: 1013226). Based on the evidence outlined above, the variant was classified as uncertain significance.

Ambry Genetics
Classification: Uncertain significance for Inborn genetic diseases. Last evaluated: 2024-07-09. Review status: criteria provided, single submitter. Criteria: Ambry Variant Classification Scheme 2023. Collection method: clinical testing. Allele origin: germline.

Labcorp Genetics (formerly Invitae), Labcorp
Classification: Likely benign. Last evaluated: 2023-03-27. Review status: criteria provided, single submitter. Criteria: Invitae Variant Classification Sherloc (09022015). Collection method: clinical testing. Allele origin: germline.

CeGaT Center for Human Genetics Tuebingen
Classification: Uncertain significance. Last evaluated: 2020-08-01. Review status: criteria provided, single submitter. Criteria: CeGaT Center For Human Genetics Tuebingen Variant Classification Criteria Version 2. Collection method: clinical testing. Allele origin: germline. Affected: yes. Observed: 1 variant allele.